The following is an entry in ClinVar:

ClinVar aggregate classification (germline): Conflicting classifications of pathogenicity. Review status: criteria provided, conflicting classifications (1 of 4 stars). 16 submissions from 16 submitters: Uncertain significance (11); Benign (1); Likely benign (1). 3 of the submissions do not count toward it. Last evaluated 2025-11-09.

Conditions:
JUP-related disorder. Also called: JUP-related condition.
Cardiovascular phenotype. Identifiers: MedGen CN230736.
Naxos disease (NXD). Also called: WOOLLY HAIR, PALMOPLANTAR KERATODERMA, AND CARDIAC ABNORMALITIES; KERATOSIS PALMOPLANTARIS WITH ARRHYTHMOGENIC CARDIOMYOPATHY; MAL DE NAXOS; PALMOPLANTAR KERATODERMA WITH ARRHYTHMOGENIC RIGHT VENTRICULAR CARDIOMYOPATHY AND WOOLLY HAIR; CARDIOMYOPATHY, ARRHYTHMOGENIC RIGHT VENTRICULAR, WITH SKIN, HAIR, AND NAIL ABNORMALITIES. Identifiers: Orphanet 34217, MedGen C1832600, MONDO:0011017, OMIM 601214.
Arrhythmogenic right ventricular dysplasia 12. Also called: ARRHYTHMOGENIC RIGHT VENTRICULAR DYSPLASIA, FAMILIAL, 12. Identifiers: MedGen C1969081, MONDO:0012684, OMIM 611528.
Primary dilated cardiomyopathy (DCM). Also called: Dilated Cardiomyopathy. Identifiers: Orphanet 217604, MedGen C0007193, MeSH D002311, MONDO:0005021, HP:0001644. Inheritance: Various modes of inheritance.

Allele frequency attached by ClinVar (database versions not stated): gnomAD 0.00007; TOPMed 0.00009; ExAC 0.00011; gnomAD exomes 0.00012 and 0.00013; 1000 Genomes Project 30x 0.00016; 1000 Genomes Project 0.00020.

Submissions (16):

Labcorp Genetics (formerly Invitae), Labcorp
Classification: Uncertain significance for Arrhythmogenic right ventricular dysplasia 12; Naxos disease. Last evaluated: 2025-11-09. Review status: criteria provided, single submitter. Criteria: Invitae Variant Classification Sherloc (09022015). Collection method: clinical testing. Allele origin: germline.
Comment: This sequence change replaces threonine, which is neutral and polar, with isoleucine, which is neutral and non-polar, at codon 19 of the JUP protein (p.Thr19Ile). This variant is present in population databases (rs570878629, gnomAD 0.03%). This missense change has been observed in individual(s) with JUP-related conditions (PMID: 20031617, 21859740, 25616645, 27930701). ClinVar contains an entry for this variant (Variation ID: 179756). An algorithm developed to predict the effect of missense changes on protein structure and function (PolyPhen-2) suggests that this variant is likely to be tolerated. In summary, the available evidence is currently insufficient to determine the role of this variant in disease. Therefore, it has been classified as a Variant of Uncertain Significance.

Mayo Clinic Laboratories, Mayo Clinic
Classification: Uncertain significance. Last evaluated: 2025-09-24. Review status: criteria provided, single submitter. Criteria: ACMG Guidelines, 2015. Collection method: clinical testing. Allele origin: germline. Observed: 1 variant allele.
Comment: BP4, PS4_moderate

GeneDx
Classification: Uncertain significance. Last evaluated: 2025-06-01. Review status: criteria provided, single submitter. Criteria: GeneDx Variant Classification Process June 2021. Collection method: clinical testing. Allele origin: germline. Affected: yes.
Comment: In silico analysis supports that this missense variant has a deleterious effect on protein structure/function; Reported in association with dilated cardiomyopathy (DCM) and arrhythmogenic right ventricular cardiomyopathy (ARVC) in published literature (PMID: 35581137, 34026867, 25820315, 21859740, 27930701, 20031617, 20857253, 23671136; Sabater-Molina et al. (2013) Cardiogenetics 3 (e5) 28-30; te Riele et al. (2015) J Am Coll Cardiol EP 1 (6):551560); This variant is associated with the following publications: (PMID: 27930701, 20031617, 20857253, 23671136, 26187847, 27037756, 28471438, 21859740, 31402444, 35581137, 34026867, 25820315)

Molecular Diagnostic Laboratory for Inherited Cardiovascular Disease, Montreal Heart Institute
Classification: Uncertain significance for Cardiovascular phenotype. Last evaluated: 2025-04-09. Review status: criteria provided, single submitter. Criteria: ACMG Guidelines, 2015. Collection method: clinical testing. Allele origin: germline. Affected: yes.

PreventionGenetics, part of Exact Sciences
Classification: Uncertain significance for JUP-related condition. Last evaluated: 2025-04-01. Review status: criteria provided, single submitter. Criteria: ACMG Guidelines, 2015. Collection method: clinical testing. Allele origin: germline.
Comment: The JUP c.56C>T variant is predicted to result in the amino acid substitution p.Thr19Ile. This variant has been reported in individuals with arrhythmogenic right ventricular dysplasia/cardiomyopathy (den Haan et al. 2009. PubMed ID: 20031617; Garcia-Pavia et al. 2011. PubMed ID: 21859740). However, further evidence of pathogenicity was not provided. Another study found the c.56C>T p.(Thr19Ile) variant unlikely to be associated with highly penetrant monogenic forms of arrhythmogenic right ventricular cardiomyopathy (Appendix S1 in Ye et al. 2019. PubMed ID: 31402444). This variant is reported in 0.031% of alleles in individuals of Latino descent in gnomAD. At this time, the clinical significance of this variant is uncertain due to the absence of conclusive functional and genetic evidence.

Blueprint Genetics
Classification: Likely benign. Last evaluated: 2024-01-31. Review status: criteria provided, single submitter. Criteria: ACMG Guidelines, 2015. Collection method: clinical testing. Allele origin: germline.

Ambry Genetics
Classification: Benign for Cardiovascular phenotype. Last evaluated: 2022-09-02. Review status: criteria provided, single submitter. Criteria: Ambry Variant Classification Scheme 2023. Collection method: clinical testing. Allele origin: germline.

ARUP Laboratories, Molecular Genetics and Genomics, ARUP Laboratories
Classification: Uncertain significance. Last evaluated: 2022-03-08. Review status: criteria provided, single submitter. Criteria: ARUP Molecular Germline Variant Investigation Process 2021. Collection method: clinical testing. Allele origin: germline.
Comment: The JUP c.56C>T; p.Thr19Ile variant (rs570878629) is reported in the literature in several individuals affected with arrhythmogenic right ventricular cardiomyopathy or dilated cardiomyopathy (Bhonsale 2015, den Haan 2009, Garcia-Pavia 2011, Haggerty 2017, Sanchez 2016, Tan 2010). This variant is also reported in ClinVar (Variation ID: 179756), and is found in the general population with an overall allele frequency of 0.012% (33/280798 alleles) in the Genome Aggregation Database. The threonine at codon 19 is moderately conserved, and computational analyses are uncertain whether this variant is neutral or deleterious (REVEL: 0.204). However, given the lack of functional data, the significance of this variant is uncertain at this time. References: Bhonsale A et al. Impact of genotype on clinical course in arrhythmogenic right ventricular dysplasia/cardiomyopathy-associated mutation carriers. Eur Heart J. 2015 Apr 7;36(14):847-55. PMID: 25616645. den Haan AD et al. Comprehensive desmosome mutation analysis in north americans with arrhythmogenic right ventricular dysplasia/cardiomyopathy. Circ Cardiovasc Genet. 2009 Oct;2(5):428-35. PMID: 20031617. Garcia-Pavia P et al. Desmosomal protein gene mutations in patients with idiopathic dilated cardiomyopathy undergoing cardiac transplantation: a clinicopathological study. Heart. 2011 Nov;97(21):1744-52. PMID: 21859740. Haggerty CM et al. Electronic health record phenotype in subjects with genetic variants associated with arrhythmogenic right ventricular cardiomyopathy: a study of 30,716 subjects with exome sequencing. Genet Med. 2017 Nov;19(11):1245-1252. PMID: 28471438. Sanchez O et al. Natural and Undetermined Sudden Death: Value of Post-Mortem Genetic Investigation. PLoS One. 2016 Dec 8;11(12):e0167358. PMID: 27930701. Tan BY et al. Shared desmosome gene findings in early and late onset arrhythmogenic right ventricular dysplasia/cardiomyopathy. J Cardiovasc Transl Res. 2010 Dec;3(6):663-73. PMID: 20857253.

Fulgent Genetics
Classification: Uncertain significance for Naxos disease; Arrhythmogenic right ventricular dysplasia 12. Last evaluated: 2021-08-13. Review status: criteria provided, single submitter. Criteria: ACMG Guidelines, 2015. Collection method: clinical testing. Allele origin: unknown.

Loeys Lab, Universiteit Antwerpen
Classification: Uncertain significance for Primary dilated cardiomyopathy. Last evaluated: 2021-02-26. Review status: criteria provided, single submitter. Criteria: ACMG Guidelines, 2015. Collection method: clinical testing. Allele origin: somatic. Affected: yes. Observed: 7 variant alleles, 7 heterozygotes.
Comment: This sequence change results in a missense variant in the JUP gene ( p.cThr19Ile)). This variant is present in population databases with a prevalence of 33/280798in GnomAD (BS1). This variant has been reported in the literature. It was found in different individuals with ARVC and co-seggregated with disease in a family with DCM and arrhythmia (Garcia-Pavia 2011; den Haan 2009; PP1). The variant has been identified in a case of SCD with DCM and additional cardiac variants (Haggerty CM et al, 2017; BP5). No functional data are available. Prediction programs show conflicting results ( Align GVGD C0; Polyphen-2-HumDiv possibly damaging; Polyphen-2-HumVar possivley damaging; SIFT: tolerated; MutationTaster: disease causing). In conclusion this variant was classified as a variant of unknown significance according to ACMG-guidelines (criteria for benign and pathogenic are contradictory: BS1, PP1; BP5).

Illumina Laboratory Services, Illumina
Classification: Uncertain significance for Naxos disease. Last evaluated: 2017-04-27. Review status: criteria provided, single submitter. Criteria: ICSL Variant Classification Criteria 13 December 2019. Collection method: clinical testing. Allele origin: germline.

Laboratory for Molecular Medicine, Mass General Brigham Personalized Medicine
Classification: Uncertain significance. Last evaluated: 2016-01-20. Review status: criteria provided, single submitter. Criteria: LMM Criteria. Collection method: clinical testing. Allele origin: germline. Observed: 1 variant allele.
Comment: Variant classified as Uncertain Significance - Favor Pathogenic. The p.Thr19Ile variant in JUP has been reported in 1 adult with DCM as well as 3 relatives who had arrhythmia (2) or low ejection fraction (1)(Garcia-Pavia 2011) and 1 individ ual with ARVC (den Haan 2009). This variant has been identified in 11/63034 Euro pean and 2/10852 Latino chromosomes by the Exome Aggregation Consortium (ExAC). Computational prediction tools and conservation analysis suggest that the p.Thr19Ile variant may impact the protein, though this information is not predictive enough to determine pathogenicity. In summary, wh ile there is some suspicion for a pathogenic role, the clinical significance of this variant is uncertain.

Breakthrough Genomics
Classification: Uncertain significance. Review status: criteria provided, single submitter. Criteria: ACMG Guidelines, 2015. Collection method: not provided. Allele origin: germline. Inheritance: Autosomal recessive inheritance. Affected: yes.

Clinical Genetics, Academic Medical Center
Classification: Uncertain significance. Review status: no assertion criteria provided. Collection method: clinical testing. Allele origin: germline. Affected: yes. Study: VKGL Data-share Consensus. Not counted in ClinVar's aggregate classification.

Diagnostic Laboratory, Department of Genetics, University Medical Center Groningen
Classification: Uncertain significance. Review status: no assertion criteria provided. Collection method: clinical testing. Allele origin: germline. Affected: yes. Study: VKGL Data-share Consensus. Not counted in ClinVar's aggregate classification.

Joint Genome Diagnostic Labs from Nijmegen and Maastricht, Radboudumc and MUMC+
Classification: Uncertain significance. Review status: no assertion criteria provided. Collection method: clinical testing. Allele origin: germline. Affected: yes. Study: VKGL Data-share Consensus. Not counted in ClinVar's aggregate classification.

Literature cited by the submitters: PubMed 20031617 (cited by 5 submitters); PubMed 21859740 (cited by 5 submitters); PubMed 25616645 (cited by Labcorp Genetics (formerly Invitae), Labcorp and Mayo Clinic Laboratories, Mayo Clinic); PubMed 27930701 (cited by 3 submitters); PubMed 20857253 (cited by Mayo Clinic Laboratories, Mayo Clinic and Ambry Genetics); PubMed 28471438 (cited by 3 submitters); PubMed 34026867 (cited by Mayo Clinic Laboratories, Mayo Clinic and Ambry Genetics); PubMed 35581137 (cited by Mayo Clinic Laboratories, Mayo Clinic and Ambry Genetics); PubMed 25820315 (cited by Ambry Genetics); PubMed 31402444 (cited by Ambry Genetics).

NM_002230.4(JUP):c.56C>T (p.Thr19Ile)

Gene: JUP (junction plakoglobin; minus strand). Cytogenetic location: 17q21.2.
Variant type: single nucleotide variant.
Coding change: c.56C>T on transcript NM_002230.4 (MANE Select); coding-DNA position 56, C replaced by T.
Protein change: p.Thr19Ile; replaces threonine 19 with isoleucine.
Molecular consequence: missense variant.
Genome position (GRCh38, 1-based): chr17:41,771,799, G>A on the plus strand (C>T on the coding strand, the complement: JUP is on the minus strand). VCF-style: chr17-41771799-G-A. GRCh37 (hg19) VCF-style: chr17-39928051-G-A.
Other names: c.56C>T, p.Thr19Ile (NM_001352773.2, NM_001352774.2, NM_001352775.2 and 3 more transcripts); c.56C>T (NM_002230.3); short protein forms T19I.
Identifiers: ClinVar variation 179756 (VCV000179756.38), dbSNP rs570878629, ClinGen allele CA185075.